The following is an entry in ClinVar:

NM_007294.4(BRCA1):c.2084A>G (p.Asp695Gly)

Gene: BRCA1 (BRCA1 DNA repair associated; minus strand). Cytogenetic location: 17q21.31.
Variant type: single nucleotide variant.
Coding change: c.2084A>G on transcript NM_007294.4 (MANE Select); coding-DNA position 2084, A replaced by G.
Protein change: p.Asp695Gly; replaces aspartic acid 695 with glycine.
Molecular consequence: missense variant. On other transcripts: intron variant (137).
Genome position (GRCh38, 1-based): chr17:43,093,447, T>C on the plus strand (A>G on the coding strand, the complement: BRCA1 is on the minus strand). VCF-style: chr17-43093447-T-C. GRCh37 (hg19) VCF-style: chr17-41245464-T-C.
Other names: c.787+1297A>G (NM_001407974.1, NM_001407969.1, NM_001407968.1 and 19 more transcripts); c.577+1297A>G (NM_001408513.1, NM_001408492.1, NM_001408481.1 and 9 more transcripts); c.523+1297A>G (NM_001408501.1, NM_001408498.1, NM_001408500.1 and 3 more transcripts); c.520+1297A>G (NM_001408503.1, NM_001408505.1, NM_001408504.1); c.643+1297A>G (NM_001408468.1, NM_001408470.1, NM_001408464.1 and 3 more transcripts); c.646+1297A>G (NM_001408455.1, NM_001408458.1, NM_001408469.1 and 11 more transcripts); c.1958A>G, p.Asp653Gly (NM_001407689.1, NM_001407690.1, NM_001407691.1 and 11 more transcripts); c.1943A>G, p.Asp648Gly (NM_001407692.1, NM_001407694.1, NM_001407695.1 and 29 more transcripts); and 40 more; short protein forms D527G, D567G, D583G, D625G, D628G, D654G, D694G, D399G.
Identifiers: ClinVar variation 1785607 (VCV001785607.17), dbSNP rs2552193928, ClinGen allele CA10597834.

ClinVar aggregate classification (germline): Conflicting classifications of pathogenicity. Review status: criteria provided, conflicting classifications (1 of 4 stars). 3 submissions from 3 submitters: Uncertain significance (2); Likely benign (1). Last evaluated 2025-09-07.

Conditions:
Hereditary cancer-predisposing syndrome. Also called: Neoplastic Syndromes, Hereditary; Tumor predisposition; Hereditary Cancer Syndrome; Hereditary neoplastic syndrome. Identifiers: Orphanet 140162, MedGen C0027672, MeSH D009386, MONDO:0015356.
Hereditary breast ovarian cancer syndrome. Also called: Hereditary breast and ovarian cancer; Hereditary breast and ovarian cancer syndrome (HBOC); Hereditary breast and ovarian cancer syndrome; Breast and ovarian cancer; Hereditary breast and/or ovarian cancer syndrome; BRCA1- and BRCA2-Associated Hereditary Breast and Ovarian Cancer. Identifiers: Orphanet 145, MedGen C0677776, MeSH D061325, MONDO:0003582. Disease mechanism: loss of function.

Submissions (3):

Labcorp Genetics (formerly Invitae), Labcorp
Classification: Uncertain significance for Hereditary breast ovarian cancer syndrome. Last evaluated: 2025-09-07. Review status: criteria provided, single submitter. Criteria: Invitae Variant Classification Sherloc (09022015). Collection method: clinical testing. Allele origin: germline.
Comment: This sequence change replaces aspartic acid, which is acidic and polar, with glycine, which is neutral and non-polar, at codon 695 of the BRCA1 protein (p.Asp695Gly). This variant is not present in population databases (gnomAD no frequency). This missense change has been observed in individual(s) with breast and/or ovarian cancer (PMID: 30702160). ClinVar contains an entry for this variant (Variation ID: 1785607). Invitae Evidence Modeling of protein sequence and biophysical properties (such as structural, functional, and spatial information, amino acid conservation, physicochemical variation, residue mobility, and thermodynamic stability) indicates that this missense variant is not expected to disrupt BRCA1 protein function with a negative predictive value of 80%. In summary, the available evidence is currently insufficient to determine the role of this variant in disease. Therefore, it has been classified as a Variant of Uncertain Significance.

University of Washington Department of Laboratory Medicine, University of Washington
Classification: Likely benign for Hereditary cancer-predisposing syndrome. Last evaluated: 2023-03-23. Review status: criteria provided, single submitter. Criteria: Dines et al. (Genet Med. 2020). Collection method: curation. Allele origin: germline.
Comment: Missense variant in a coldspot region where missense variants are very unlikely to be pathogenic (PMID:31911673).

BRCA1 coldspot (exon 11 using historical exon numbering). Reclassification based on statistical prior probability

Ambry Genetics
Classification: Uncertain significance for Hereditary cancer-predisposing syndrome. Last evaluated: 2022-06-15. Review status: criteria provided, single submitter. Criteria: Ambry Variant Classification Scheme 2023. Collection method: clinical testing. Allele origin: germline.
Comment: The p.D695G variant (also known as c.2084A>G), located in coding exon 9 of the BRCA1 gene, results from an A to G substitution at nucleotide position 2084. The aspartic acid at codon 695 is replaced by glycine, an amino acid with similar properties. This amino acid position is not well conserved in available vertebrate species. In addition, the in silico prediction for this alteration is inconclusive. Since supporting evidence is limited at this time, the clinical significance of this alteration remains unclear.

Literature cited by the submitters: PubMed 30702160 (cited by Labcorp Genetics (formerly Invitae), Labcorp).